The following is an entry in ClinVar:

ClinVar aggregate classification (germline): Uncertain significance (1 of 4 stars; one submission).

Submission:

Athena Diagnostics
Classification: Uncertain significance. Last evaluated: 2025-03-21. Review status: criteria provided, single submitter. Criteria: Athena Diagnostics Criteria. Collection method: clinical testing. Allele origin: unknown.
Comment: Available data are insufficient to determine the clinical significance of the variant at this time. This variant has not been reported in large, multi-ethnic general populations. Polyphen and MutationTaster predict this amino acid change may be benign.

NM_000426.4(LAMA2):c.8283A>G (p.Ile2761Met)

Genes: LAMA2 (laminin subunit alpha 2; plus strand), LOC126859784 (CDK7 strongly-dependent group 2 enhancer GRCh37_chr6:129822854-129824053; plus strand). Cytogenetic location: 6q22.33.
Variant type: single nucleotide variant.
Coding change: c.8283A>G on transcript NM_000426.4 (MANE Select); coding-DNA position 8283, A replaced by G.
Protein change: p.Ile2761Met; replaces isoleucine 2761 with methionine.
Molecular consequence: missense variant.
Genome position (GRCh38, 1-based): chr6:129,502,697, A>G. VCF-style: chr6-129502697-A-G. GRCh37 (hg19) VCF-style: chr6-129823842-A-G.
Other names: c.8271A>G, p.Ile2757Met (NM_001079823.2); short protein forms I2757M, I2761M.
Identifiers: ClinVar variation 4682373 (VCV004682373.1).